The following is an entry in ClinVar:

NM_014319.5(LEMD3):c.1757G>C (p.Gly586Ala)

Gene: LEMD3 (LEM domain containing 3; plus strand). Cytogenetic location: 12q14.3.
Variant type: single nucleotide variant.
Coding change: c.1757G>C on transcript NM_014319.5 (MANE Select); coding-DNA position 1757, G replaced by C.
Protein change: p.Gly586Ala; replaces glycine 586 with alanine.
Molecular consequence: missense variant.
Genome position (GRCh38, 1-based): chr12:65,238,563, G>C. VCF-style: chr12-65238563-G-C. GRCh37 (hg19) VCF-style: chr12-65632343-G-C.
Other names: c.1754G>C, p.Gly585Ala (NM_001167614.2); short protein forms G585A, G586A.
Identifiers: ClinVar variation 4734153 (VCV004734153.1).

ClinVar aggregate classification (germline): Uncertain significance (1 of 4 stars; one submission).

Submission:

Labcorp Genetics (formerly Invitae), Labcorp
Classification: Uncertain significance. Last evaluated: 2025-06-09. Review status: criteria provided, single submitter. Criteria: Invitae Variant Classification Sherloc (09022015). Collection method: clinical testing. Allele origin: germline.
Comment: This sequence change replaces glycine, which is neutral and non-polar, with alanine, which is neutral and non-polar, at codon 586 of the LEMD3 protein (p.Gly586Ala). This variant is not present in population databases (gnomAD no frequency). This variant has not been reported in the literature in individuals affected with LEMD3-related conditions. Invitae Evidence Modeling of protein sequence and biophysical properties (such as structural, functional, and spatial information, amino acid conservation, physicochemical variation, residue mobility, and thermodynamic stability) indicates that this missense variant is not expected to disrupt LEMD3 protein function with a negative predictive value of 80%. In summary, the available evidence is currently insufficient to determine the role of this variant in disease. Therefore, it has been classified as a Variant of Uncertain Significance.